The following is an entry in ClinVar:

NM_001042492.3(NF1):c.3786_3787insSVAelement

Gene: NF1 (neurofibromin 1; plus strand). Cytogenetic location: 17q11.2.
Variant type: Insertion.
Coding change: c.3786_3787insSVAelement on transcript NM_001042492.3; coding-DNA positions 3786 to 3787, an insertion.
Other names: NM_000267.3:c.3786_3787insSVA.
Identifiers: ClinVar variation 870241 (VCV000870241.1), dbSNP rs2067187668.

ClinVar aggregate classification (germline): Pathogenic (1 of 4 stars; one submission).

Conditions:
Neurofibromatosis, type 1 (NF1). Also called: VON RECKLINGHAUSEN DISEASE; NEUROFIBROMATOSIS, TYPE I, SOMATIC; Neurofibromatosis, type I; Peripheral type neurofibromatosis. Identifiers: Orphanet 636, MedGen C0027831, MONDO:0018975, OMIM 162200. Disease mechanism: loss of function.

Submission:

Labcorp Genetics (formerly Invitae), Labcorp
Classification: Pathogenic for Neurofibromatosis, type 1. Last evaluated: 2019-10-29. Review status: criteria provided, single submitter. Criteria: Invitae Variant Classification Sherloc (09022015). Collection method: clinical testing. Allele origin: germline.
Comment: This sequence change inserts a large fragment of DNA, likely a transposable element, in exon 28 of the NF1 gene (c.3786_3787insSVA), causing a frameshift at codon 1262 (p.Ser1262fs). The exact size and sequence of the insertion cannot be determined by the current assay. However, the insertion is expected to result in an absent or disrupted protein product. Retrotransposon insertions including LINE1 (L1), Alu, and SVA (SINE-VNTR-Alu) have been reported to be disease-causing through disruption of either a coding region or splice site (PMID: 19763152, 20307669, 22406018) and loss-of-function variants in NF1 are known to be pathogenic (PMID: 10712197, 23913538). For these reasons, this variant has been classified as Pathogenic.

Literature cited by the submitters: PubMed 20307669; PubMed 23913538; PubMed 22406018; PubMed 19763152; PubMed 10712197.